The following is an entry in ClinVar:

NM_002206.3(ITGA7):c.1505+6G>A

Gene: ITGA7 (integrin subunit alpha 7; minus strand). Cytogenetic location: 12q13.2.
Variant type: single nucleotide variant.
Coding change: c.1505+6G>A on transcript NM_002206.3 (MANE Select); 6 bases into the intron after coding-DNA position 1505, G replaced by A.
Molecular consequence: intron variant.
Genome position (GRCh38, 1-based): chr12:55,697,445, C>T on the plus strand (G>A on the coding strand, the complement: ITGA7 is on the minus strand). VCF-style: chr12-55697445-C-T. GRCh37 (hg19) VCF-style: chr12-56091229-C-T.
Other names: c.1226+6G>A (NM_001144997.2); c.1178+6G>A (NM_001367993.1); c.1166+6G>A (NM_001414035.1); c.1322+6G>A (NM_001414033.1); c.161+6G>A (NM_001367994.1); c.1385+6G>A (NM_001414032.1); c.1418+6G>A (NM_001414031.1); c.1505+6G>A (NM_001374465.1, NM_001414034.1); and 3 more.
Identifiers: ClinVar variation 2178712 (VCV002178712.1), dbSNP rs367686989, ClinGen allele CA237572282.

ClinVar aggregate classification (germline): Uncertain significance (1 of 4 stars; one submission).

Conditions:
Congenital muscular dystrophy due to integrin alpha-7 deficiency. Also called: MYOPATHY, CONGENITAL, DUE TO INTEGRIN ALPHA-7 DEFICIENCY; Congenital muscular dystrophy with integrin alpha-7 deficiency; Muscular dystrophy, congenital, due to ITGA7 deficiency. Identifiers: Orphanet 34520, MedGen C2750786, MONDO:0013177, OMIM 613204.

Submission:

Labcorp Genetics (formerly Invitae), Labcorp
Classification: Uncertain significance for Congenital muscular dystrophy due to integrin alpha-7 deficiency. Last evaluated: 2022-08-21. Review status: criteria provided, single submitter. Criteria: Invitae Variant Classification Sherloc (09022015). Collection method: clinical testing. Allele origin: germline.
Comment: This sequence change falls in intron 10 of the ITGA7 gene. It does not directly change the encoded amino acid sequence of the ITGA7 protein. It affects a nucleotide within the consensus splice site. This variant is not present in population databases (gnomAD no frequency). This variant has not been reported in the literature in individuals affected with ITGA7-related conditions. Variants that disrupt the consensus splice site are a relatively common cause of aberrant splicing (PMID: 17576681, 9536098). Algorithms developed to predict the effect of sequence changes on RNA splicing suggest that this variant may disrupt the consensus splice site. In summary, the available evidence is currently insufficient to determine the role of this variant in disease. Therefore, it has been classified as a Variant of Uncertain Significance.

Literature cited by the submitters: PubMed 17576681; PubMed 9536098.